The following is an entry in ClinVar:

NM_004168.4(SDHA):c.511C>T (p.Arg171Cys)

Gene: SDHA (succinate dehydrogenase complex flavoprotein subunit A; plus strand). Cytogenetic location: 5p15.33.
Variant type: single nucleotide variant.
Coding change: c.511C>T on transcript NM_004168.4 (MANE Select); coding-DNA position 511, C replaced by T.
Protein change: p.Arg171Cys; replaces arginine 171 with cysteine.
Molecular consequence: missense variant.
Genome position (GRCh38, 1-based): chr5:225,937, C>T. VCF-style: chr5-225937-C-T. GRCh37 (hg19) VCF-style: chr5-226052-C-T.
Other names: c.367C>T, p.Arg123Cys (NM_001294332.2); c.511C>T, p.Arg171Cys (NM_001330758.2); c.511C>T (NM_004168.2); short protein forms R123C, R171C.
Identifiers: ClinVar variation 963574 (VCV000963574.20), dbSNP rs776193478, ClinGen allele CA3172863.

ClinVar aggregate classification (germline): Conflicting classifications of pathogenicity. Review status: criteria provided, conflicting classifications (1 of 4 stars). 5 submissions from 5 submitters: Likely pathogenic (2); Uncertain significance (3). Last evaluated 2026-03-27.

Conditions:
Gastrointestinal stromal tumor. Also called: Gastrointestinal stromal tumor, somatic; Gastrointestinal stroma tumor. Identifiers: Orphanet 44890, MedGen C0238198, MeSH D046152, MONDO:0011719, OMIM 606764, HP:0100723.
Hereditary cancer-predisposing syndrome. Also called: Hereditary neoplastic syndrome; Neoplastic Syndromes, Hereditary; Hereditary Cancer Syndrome; Tumor predisposition. Identifiers: Orphanet 140162, MedGen C0027672, MeSH D009386, MONDO:0015356.
Pheochromocytoma/paraganglioma syndrome 5. Also called: Paragangliomas 5; SDHA-Related Hereditary Paraganglioma-Pheochromocytoma Syndrome. Identifiers: Orphanet 29072, MedGen C3279992, MONDO:0013602, OMIM 614165.
Mitochondrial complex II deficiency, nuclear type 1. Also called: SUCCINATE CoQ REDUCTASE DEFICIENCY. Identifiers: Orphanet 3208, MedGen C5700310, MONDO:0100294, OMIM 252011.

Allele frequency attached by ClinVar (database versions not stated): gnomAD exomes below 0.00001 and 0.00001; ExAC 0.00001; gnomAD 0.00001.
gnomAD v4.1: 6 of 1,613,728 alleles (0.00037%); highest among the groups gnomAD compares: East Asian, 0.0067%; no homozygotes.

Submissions (5):

Ambry Genetics
Classification: Likely pathogenic for Hereditary cancer-predisposing syndrome. Last evaluated: 2026-03-27. Review status: criteria provided, single submitter. Criteria: Ambry Variant Classification Scheme 2023. Collection method: clinical testing. Allele origin: germline.
Comment: The c.511C>T (p.R171C) alteration is located in exon 5 (coding exon 5) of the SDHA gene. This alteration results from a C to T substitution at nucleotide position 511, causing the arginine (R) at amino acid position 171 to be replaced by a cysteine (C). Based on data from gnomAD, the T allele has an overall frequency of 0.001% (2/251490) total alleles studied. The highest observed frequency was 0.003% (1/30616) of South Asian alleles. This variant was reported in individual(s) with features consistent with SDHA-related hereditary pheochromocytoma-paraganglioma (Choi, 2020). Other variant(s) at the same codon, c.512G>A (p.R171H), have been identified in individual(s) with features consistent with SDHA-related hereditary pheochromocytoma-paraganglioma (Ambry internal data). This amino acid position is highly conserved in available vertebrate species. This alteration is predicted to be deleterious by in silico analysis. Based on the available evidence, this alteration is classified as likely pathogenic.

Myriad Genetics, Inc.
Classification: Likely pathogenic for Pheochromocytoma/paraganglioma syndrome 5. Last evaluated: 2026-03-13. Review status: criteria provided, single submitter. Criteria: Myriad Autosomal Dominant, Autosomal Recessive and X-Linked Classification Criteria (2023). Collection method: clinical testing. Allele origin: unknown.
Comment: This variant is considered likely pathogenic. Functional studies indicate this variant impacts protein function [PMID: 39321216]. This variant is expected to disrupt protein structure [Myriad internal data]. This variant has been reported in multiple individuals with clinical features of gene-specific disease [PMID: 33397040, 30201732, 30616628].

Labcorp Genetics (formerly Invitae), Labcorp
Classification: Uncertain significance for Pheochromocytoma/paraganglioma syndrome 5; Mitochondrial complex II deficiency, nuclear type 1. Last evaluated: 2025-11-03. Review status: criteria provided, single submitter. Criteria: Invitae Variant Classification Sherloc (09022015). Collection method: clinical testing. Allele origin: germline.
Comment: This sequence change replaces arginine, which is basic and polar, with cysteine, which is neutral and slightly polar, at codon 171 of the SDHA protein (p.Arg171Cys). This variant is present in population databases (rs776193478, gnomAD 0.003%). This variant has not been reported in the literature in individuals affected with SDHA-related conditions. ClinVar contains an entry for this variant (Variation ID: 963574). Invitae Evidence Modeling of protein sequence and biophysical properties (such as structural, functional, and spatial information, amino acid conservation, physicochemical variation, residue mobility, and thermodynamic stability) has been performed for this missense variant. However, the output from this modeling did not meet the statistical confidence thresholds required to predict the impact of this variant on SDHA protein function. This variant disrupts the p.Arg171 amino acid residue in SDHA. Other variant(s) that disrupt this residue have been determined to be pathogenic (PMID: 30201732, 35059314; external communication, internal data). This suggests that this residue is clinically significant, and that variants that disrupt this residue are likely to be disease-causing. In summary, the available evidence is currently insufficient to determine the role of this variant in disease. Therefore, it has been classified as a Variant of Uncertain Significance.

GeneDx
Classification: Uncertain significance. Last evaluated: 2023-12-12. Review status: criteria provided, single submitter. Criteria: GeneDx Variant Classification Process June 2021. Collection method: clinical testing. Allele origin: germline. Affected: yes.
Comment: Not observed at significant frequency in large population cohorts (gnomAD); In silico analysis supports that this missense variant has a deleterious effect on protein structure/function; This variant is associated with the following publications: (PMID: 33397040)

“Giorgio Prodi” Cancer Research Center, University of Bologna
Classification: Uncertain significance for Gastrointestinal stromal tumor. Last evaluated: 2021-10-01. Review status: criteria provided, single submitter. Criteria: ACMG Guidelines, 2015. Collection method: research. Allele origin: somatic. Affected: yes. Observed: 1 variant allele.

Literature cited by the submitters: PubMed 33397040 (cited by Ambry Genetics and Myriad Genetics, Inc.); PubMed 39321216 (cited by Myriad Genetics, Inc.); PubMed 30201732 (cited by Myriad Genetics, Inc. and Labcorp Genetics (formerly Invitae), Labcorp); PubMed 30616628 (cited by Myriad Genetics, Inc.); PubMed 35059314 (cited by Labcorp Genetics (formerly Invitae), Labcorp); PubMed 23612575 (cited by “Giorgio Prodi” Cancer Research Center, University of Bologna).